The following is an entry in ClinVar:

NM_000431.4(MVK):c.885+24G>A

Gene: MVK (mevalonate kinase; plus strand). Cytogenetic location: 12q24.11.
Variant type: single nucleotide variant.
Coding change: c.885+24G>A on transcript NM_000431.4 (MANE Select); 24 bases into the intron after coding-DNA position 885, G replaced by A.
Molecular consequence: intron variant.
Genome position (GRCh38, 1-based): chr12:109,591,381, G>A. VCF-style: chr12-109591381-G-A. GRCh37 (hg19) VCF-style: chr12-110029186-G-A.
Other names: p.?; c.729+24G>A (NM_001301182.2); c.885+24G>A (NM_001114185.3).
Identifiers: ClinVar variation 439923 (VCV000439923.14), dbSNP rs2270374, ClinGen allele CA6779402.

ClinVar aggregate classification (germline): Benign. Review status: criteria provided, multiple submitters, no conflicts (2 of 4 stars). 5 submissions from 5 submitters: Benign (5). Last evaluated 2024-01-24.

Allele frequency attached by ClinVar (database versions not stated): 1000 Genomes Project 30x 0.11071; 1000 Genomes Project 0.11142; gnomAD 0.12332 and 0.12458; TOPMed 0.12697; ESP Exome Variant Server 0.12886; ExAC 0.14899; gnomAD exomes 0.14949 and 0.16850.
gnomAD v4.1: 262,956 of 1,601,586 alleles (16%); highest among the groups gnomAD compares: Middle Eastern, 18%; 22,781 homozygotes.

Submissions (5):

Unidad de Genómica Garrahan, Hospital de Pediatría Garrahan
Classification: Benign. Last evaluated: 2024-01-24. Review status: criteria provided, single submitter. Criteria: ACMG Guidelines, 2015. Collection method: clinical testing. Allele origin: germline. Affected: no. Observed: 24 variant alleles.
Comment: This variant is classified as Benign based on local population frequency. This variant was detected in 27% of patients studied by a panel of primary immunodeficiencies. Number of patients: 24. Only high quality variants are reported.

Mayo Clinic Laboratories, Mayo Clinic
Classification: Benign. Last evaluated: 2022-05-05. Review status: criteria provided, single submitter. Criteria: ACMG Guidelines, 2015. Collection method: clinical testing. Allele origin: germline. Observed: 325 variant alleles.

ARUP Laboratories, Molecular Genetics and Genomics, ARUP Laboratories
Classification: Benign. Last evaluated: 2018-07-07. Review status: criteria provided, single submitter. Criteria: ARUP Molecular Germline Variant Investigation Process. Collection method: clinical testing. Allele origin: germline.

GeneDx
Classification: Benign. Last evaluated: 2015-03-03. Review status: criteria provided, single submitter. Criteria: GeneDx Variant Classification Process June 2021. Collection method: clinical testing. Allele origin: germline. Affected: yes.

Breakthrough Genomics
Classification: Benign. Review status: criteria provided, single submitter. Criteria: ACMG Guidelines, 2015. Collection method: not provided. Allele origin: germline. Inheritance: Autosomal recessive inheritance. Affected: yes.